The following is an entry in ClinVar:

NM_012293.3(PXDN):c.1775A>G (p.Tyr592Cys)

Gene: PXDN (peroxidasin; minus strand). Cytogenetic location: 2p25.3.
Variant type: single nucleotide variant.
Coding change: c.1775A>G on transcript NM_012293.3 (MANE Select); coding-DNA position 1775, A replaced by G.
Protein change: p.Tyr592Cys; replaces tyrosine 592 with cysteine.
Molecular consequence: missense variant.
Genome position (GRCh38, 1-based): chr2:1,660,943, T>C on the plus strand (A>G on the coding strand, the complement: PXDN is on the minus strand). VCF-style: chr2-1660943-T-C. GRCh37 (hg19) VCF-style: chr2-1664715-T-C.
Other names: short protein forms Y592C.
Identifiers: ClinVar variation 4527415 (VCV004527415.1).

ClinVar aggregate classification (germline): Uncertain significance (1 of 4 stars; one submission).

gnomAD v4.1: 1 of 1,613,998 alleles (0.000062%); highest among the groups gnomAD compares: Non-Finnish European, 0.000085%; no homozygotes.

Submission:

GeneDx
Classification: Uncertain significance. Last evaluated: 2025-04-28. Review status: criteria provided, single submitter. Criteria: GeneDx Variant Classification Process June 2021. Collection method: clinical testing. Allele origin: germline. Affected: yes.
Comment: Not observed at significant frequency in large population cohorts (gnomAD); In silico analysis supports that this missense variant has a deleterious effect on protein structure/function; Has not been previously published as pathogenic or benign to our knowledge